The following is an entry in ClinVar:

NM_002334.4(LRP4):c.431-12G>A

Gene: LRP4 (LDL receptor related protein 4; minus strand). Cytogenetic location: 11p11.2.
Variant type: single nucleotide variant.
Coding change: c.431-12G>A on transcript NM_002334.4 (MANE Select); 12 bases into the intron before coding-DNA position 431, G replaced by A.
Molecular consequence: intron variant.
Genome position (GRCh38, 1-based): chr11:46,899,515, C>T on the plus strand (G>A on the coding strand, the complement: LRP4 is on the minus strand). VCF-style: chr11-46899515-C-T. GRCh37 (hg19) VCF-style: chr11-46921066-C-T.
Identifiers: ClinVar variation 879987 (VCV000879987.17), dbSNP rs139371503, ClinGen allele CA5970496.

ClinVar aggregate classification (germline): Benign/Likely benign. Review status: criteria provided, multiple submitters, no conflicts (2 of 4 stars). 5 submissions from 5 submitters: Benign (2); Likely benign (3). Last evaluated 2026-02-02.

Conditions:
Sclerosteosis 2 (SOST2). Identifiers: Orphanet 3152, MedGen C3280402, MONDO:0013679, OMIM 614305.
Cenani-Lenz syndactyly syndrome. Also called: SYNDACTYLY, TYPE VII; CENANI SYNDACTYLISM. Identifiers: Orphanet 3258, MedGen C1859309, MONDO:0008931, OMIM 212780.
Congenital myasthenic syndrome 17. Identifiers: Orphanet 590, MedGen C4225377, MONDO:0014578, OMIM 616304.

Allele frequency attached by ClinVar (database versions not stated): 1000 Genomes Project 0.00958; ExAC 0.00938; 1000 Genomes Project 30x 0.01031; gnomAD 0.01241 and 0.01289; ESP Exome Variant Server 0.01369; TOPMed 0.01301; gnomAD exomes 0.00981 and 0.01082.
gnomAD v4.1: 17,524 of 1,590,032 alleles (1.1%); highest among the groups gnomAD compares: Middle Eastern, 1.7%; 142 homozygotes.

Submissions (5):

Labcorp Genetics (formerly Invitae), Labcorp
Classification: Benign for Cenani-Lenz syndactyly syndrome; Sclerosteosis 2; Congenital myasthenic syndrome 17. Last evaluated: 2026-02-02. Review status: criteria provided, single submitter. Criteria: Invitae Variant Classification Sherloc (09022015). Collection method: clinical testing. Allele origin: germline.

Fulgent Genetics
Classification: Likely benign for Cenani-Lenz syndactyly syndrome; Sclerosteosis 2; Congenital myasthenic syndrome 17. Last evaluated: 2021-09-08. Review status: criteria provided, single submitter. Criteria: ACMG Guidelines, 2015. Collection method: clinical testing. Allele origin: unknown.

GeneDx
Classification: Likely benign. Last evaluated: 2021-04-30. Review status: criteria provided, single submitter. Criteria: GeneDx Variant Classification Process June 2021. Collection method: clinical testing. Allele origin: germline. Affected: yes.

Illumina Laboratory Services, Illumina
Classification: Benign for Cenani-Lenz syndactyly syndrome. Last evaluated: 2017-04-27. Review status: criteria provided, single submitter. Criteria: ICSL Variant Classification Criteria 13 December 2019. Collection method: clinical testing. Allele origin: germline.
Comment: This variant was observed as part of a predisposition screen in an ostensibly healthy population. A literature search was performed for the gene, cDNA change, and amino acid change (where applicable). No publications were found based on this search. Allele frequency data from public databases was too high to be consistent with this variant causing disease. Therefore, this variant is classified as benign.

Breakthrough Genomics
Classification: Likely benign. Review status: criteria provided, single submitter. Criteria: ACMG Guidelines, 2015. Collection method: not provided. Allele origin: germline. Inheritance: Autosomal recessive inheritance. Affected: yes.